The following is an entry in ClinVar:

NC_000012.11:g.(?_114837390)_(114846189_?)del

Gene: TBX5 (T-box transcription factor 5; minus strand). Cytogenetic location: 12q24.21.
Variant type: Deletion.
Identifiers: ClinVar variation 1459610 (VCV001459610.4).

ClinVar aggregate classification (germline): Pathogenic (1 of 4 stars; one submission).

Conditions:
Aortic valve disease 2 (AOVD2). Identifiers: MedGen C3542024, MONDO:0013902, OMIM 614823.

Submission:

Labcorp Genetics (formerly Invitae), Labcorp
Classification: Pathogenic for Aortic valve disease 2. Last evaluated: 2020-11-07. Review status: criteria provided, single submitter. Criteria: Invitae Variant Classification Sherloc (09022015). Collection method: clinical testing. Allele origin: germline.
Comment: For these reasons, this variant has been classified as Pathogenic. This variant has not been reported in the literature in individuals with TBX5-related conditions. This variant results in the deletion of exon(s) 2-3 and part of exon 4 (c.-609_290del) of the TBX5 gene. It is expected to result in an absent or disrupted protein product. Loss-of-function variants in TBX5 are known to be pathogenic (PMID: 16183809, 16917909).

Literature cited by the submitters: PubMed 16183809; PubMed 16917909.